The following is an entry in ClinVar:

NM_000157.4(GBA1):c.626G>C (p.Arg209Pro)

Genes: GBA1 (glucosylceramidase beta 1; minus strand), LOC106627981 (GBA recombination region; plus strand). Cytogenetic location: 1q22.
Variant type: single nucleotide variant.
Coding change: c.626G>C on transcript NM_000157.4 (MANE Select); coding-DNA position 626, G replaced by C.
Protein change: p.Arg209Pro; replaces arginine 209 with proline.
Molecular consequence: missense variant.
Genome position (GRCh38, 1-based): chr1:155,238,269, C>G on the plus strand (G>C on the coding strand, the complement: GBA1 is on the minus strand). VCF-style: chr1-155238269-C-G. GRCh37 (hg19) VCF-style: chr1-155208060-C-G.
Other names: c.626G>C, p.Arg209Pro (NM_001005741.3, NM_001005742.3); c.365G>C, p.Arg122Pro (NM_001171811.2); c.479G>C, p.Arg160Pro (NM_001171812.2); short protein forms R122P, R160P, R209P.
Identifiers: ClinVar variation 4817785 (VCV004817785.1).

ClinVar aggregate classification (germline): Pathogenic (1 of 4 stars; one submission).

Conditions:
Gaucher disease. Also called: Acute cerebral Gaucher disease; Cerebroside lipidosis syndrome; Gaucher splenomegaly; Sphingolipidosis 1; Glucocerebrosidosis; Glucosylceramidase deficiency. Identifiers: Orphanet 355, MedGen C0017205, MONDO:0018150.

gnomAD v4.1: 3 of 1,605,516 alleles (0.00019%); highest among the groups gnomAD compares: Non-Finnish European, 0.00026%; no homozygotes.

Submission:

Natera, Inc.
Classification: Pathogenic for Gaucher disease. Last evaluated: 2025-08-21. Review status: criteria provided, single submitter. Criteria: Natera Variant Classification Schema (03/2026). Collection method: clinical testing. Allele origin: germline.
Comment: The c.626G>C variant in GBA1 is a missense variant predicted to cause substitution of arginine to proline at amino acid 209. This variant is rare in the general population with a frequency below the threshold expected for the associated phenotype(s). This variant has been observed in one or more individuals affected with the associated recessive disease, as either homozygous or compound heterozygous with a second variant (PMID: 10796875, 9683600, 12204005, 12919144, 28727984, 25515322). Additionally, this variant has been observed to segregate in affected family members (PMID: 10950936, 28727984). A different variant at the same position has been determined to be Pathogenic or Likely Pathogenic. Given the available evidence, this variant is classified as Pathogenic.

Literature cited by the submitters: PubMed 10796875; PubMed 9683600; PubMed 12204005; PubMed 12919144; PubMed 28727984; PubMed 25515322; PubMed 10950936.